The following is an entry in ClinVar:

ClinVar aggregate classification (germline): Conflicting classifications of pathogenicity. Review status: criteria provided, conflicting classifications (1 of 4 stars). 5 submissions from 5 submitters: Uncertain significance (3); Likely benign (1). 1 of the submissions does not count toward it. Last evaluated 2026-01-27.

Conditions:
Marfan syndrome (MFS). Also called: MARFAN SYNDROME, TYPE I; FBN1-Related Marfan Syndrome; Marfan syndrome type 1; Marfan's syndrome; Marfan syndrome, classic. Identifiers: Orphanet 284963, Orphanet 558, MedGen C0024796, MONDO:0007947, OMIM 154700.
Familial thoracic aortic aneurysm and aortic dissection (TAAD). Also called: Thoracic aortic aneurysms and dissections. Identifiers: Orphanet 91387, MedGen C4707243, MONDO:0019625.

Allele frequency attached by ClinVar (database versions not stated): TOPMed 0.00001.
gnomAD v4.1: 4 of 1,613,698 alleles (0.00025%); highest among the groups gnomAD compares: Non-Finnish European, 0.00034%; no homozygotes.

Submissions (5):

Labcorp Genetics (formerly Invitae), Labcorp
Classification: Likely benign for Marfan syndrome; Familial thoracic aortic aneurysm and aortic dissection. Last evaluated: 2026-01-27. Review status: criteria provided, single submitter. Criteria: Invitae Variant Classification Sherloc (09022015). Collection method: clinical testing. Allele origin: germline.

All of Us Research Program, National Institutes of Health
Classification: Uncertain significance for Marfan syndrome. Last evaluated: 2023-11-30. Review status: criteria provided, single submitter. Criteria: ACMG Guidelines, 2015. Collection method: clinical testing. Allele origin: germline. Inheritance: Autosomal dominant inheritance. Observed: 1 variant allele, 1 heterozygote.
Comment: This missense variant replaces proline with leucine at codon 392 of the FBN1 protein. Computational prediction suggests that this variant may not impact protein structure and function (internally defined REVEL score threshold <= 0.5, PMID: 27666373). Splice site prediction tools suggest that this variant may not impact RNA splicing. To our knowledge, functional studies have not been performed for this variant. This variant has been reported in an individual suspected of having Marfan syndrome and has been shown not to segregate with disease in this family (PMID: 30032985). This variant has been identified in 1/250242 chromosomes in the general population by the Genome Aggregation Database (gnomAD). The available evidence is insufficient to determine the role of this variant in disease conclusively. Therefore, this variant is classified as a Variant of Uncertain Significance.

This study involves interpretation of variants in research participants for the purpose of population health screening. Participant phenotype was not available at the time of variant classification. Additional details can be found in publication PMID: 35346344, PMCID: PMC8962531

Color Diagnostics, LLC DBA Color Health
Classification: Uncertain significance for Familial thoracic aortic aneurysm and aortic dissection. Last evaluated: 2023-10-17. Review status: criteria provided, single submitter. Criteria: ACMG Guidelines, 2015. Collection method: clinical testing. Allele origin: germline.
Comment: This missense variant replaces proline with leucine at codon 392 of the FBN1 protein. Computational prediction suggests that this variant may not impact protein structure and function (internally defined REVEL score threshold <= 0.5, PMID: 27666373). To our knowledge, functional studies have not been reported for this variant. This variant has been reported in an individual suspected of having Marfan syndrome and has been shown not to segregate with disease in this family (PMID: 30032985). This variant has been identified in 1/250242 chromosomes in the general population by the Genome Aggregation Database (gnomAD). The available evidence is insufficient to determine the role of this variant in disease conclusively. Therefore, this variant is classified as a Variant of Uncertain Significance.

ARUP Laboratories, Molecular Genetics and Genomics, ARUP Laboratories
Classification: Uncertain significance. Last evaluated: 2016-08-29. Review status: criteria provided, single submitter. Criteria: ARUP Molecular Germline Variant Investigation Process. Collection method: clinical testing. Allele origin: germline.

Center for Medical Genetics Ghent, University of Ghent
Classification: Uncertain significance for Marfan syndrome. Last evaluated: 2017-11-07. Review status: no assertion criteria provided. Collection method: clinical testing. Allele origin: germline. Affected: yes. Not counted in ClinVar's aggregate classification.

Literature cited by the submitters: PubMed 30032985 (cited by All of Us Research Program, National Institutes of Health and Color Diagnostics, LLC DBA Color Health).

NM_000138.5(FBN1):c.1175C>T (p.Pro392Leu)

Gene: FBN1 (fibrillin 1; minus strand). Cytogenetic location: 15q21.1.
Variant type: single nucleotide variant.
Coding change: c.1175C>T on transcript NM_000138.5 (MANE Select); coding-DNA position 1175, C replaced by T.
Protein change: p.Pro392Leu; replaces proline 392 with leucine.
Molecular consequence: missense variant.
Genome position (GRCh38, 1-based): chr15:48,516,335, G>A on the plus strand (C>T on the coding strand, the complement: FBN1 is on the minus strand). VCF-style: chr15-48516335-G-A. GRCh37 (hg19) VCF-style: chr15-48808532-G-A.
Other names: short protein forms P392L.
Identifiers: ClinVar variation 439699 (VCV000439699.18), dbSNP rs534127494, ClinGen allele CA392345686.